The following is an entry in ClinVar:

ClinVar aggregate classification (germline): Pathogenic (1 of 4 stars; one submission).

Conditions:
Immunodeficiency 19 (IMD19). Also called: IMMUNODEFICIENCY 19, SEVERE COMBINED; CD3-DELTA DEFICIENCY; SEVERE COMBINED IMMUNODEFICIENCY, T CELL-NEGATIVE, B CELL-POSITIVE, NK CELL-POSITIVE; SCID, T CELL-NEGATIVE, B CELL-POSITIVE, NK CELL-POSITIVE. Identifiers: MedGen C3810147, MONDO:0014280, OMIM 615617.

Allele frequency attached by ClinVar (database versions not stated): gnomAD exomes below 0.00001; ExAC 0.00001; TOPMed 0.00001.

Submission:

Labcorp Genetics (formerly Invitae), Labcorp
Classification: Pathogenic for Immunodeficiency 19. Last evaluated: 2023-10-28. Review status: criteria provided, single submitter. Criteria: Invitae Variant Classification Sherloc (09022015). Collection method: clinical testing. Allele origin: germline.
Comment: This sequence change creates a premature translational stop signal (p.Leu15Profs*6) in the CD3D gene. It is expected to result in an absent or disrupted protein product. Loss-of-function variants in CD3D are known to be pathogenic (PMID: 14602880, 15546002). This variant is present in population databases (rs767884151, gnomAD 0.003%). This variant has not been reported in the literature in individuals affected with CD3D-related conditions. For these reasons, this variant has been classified as Pathogenic.

Literature cited by the submitters: PubMed 14602880; PubMed 15546002.

NM_000732.6(CD3D):c.40_41dup (p.Leu15fs)

Gene: CD3D (CD3 delta subunit of T-cell receptor complex; minus strand). Cytogenetic location: 11q23.3.
Variant type: Duplication.
Coding change: c.40_41dup on transcript NM_000732.6 (MANE Select); coding-DNA positions 40 to 41, 2 bases duplicated (AC; older notation c.40_41dupAC).
Protein change: p.Leu15fs; shifts the reading frame from leucine 15.
Molecular consequence: frameshift variant.
Genome position (GRCh38, 1-based): chr11:118,342,567-118,342,568, GT duplicated on the plus strand (AC on the coding strand, the reverse complement: CD3D is on the minus strand). VCF-style (leftmost placement, unchanged base first): chr11-118342566-G-GGT. GRCh37 (hg19) VCF-style: chr11-118213281-G-GGT.
Other names: c.40_41dup, p.Leu15fs (NM_001040651.2); short protein forms L15fs.
Identifiers: ClinVar variation 2772341 (VCV002772341.3), dbSNP rs767884151, ClinGen allele CA6302025.
Genomic context (GRCh38, chr11:118,342,566, plus strand): 5'-AATGTCCCTCTCAGGTCCCTTCCCCCACCCACCTGGAGTAGCCTTACCTTGCGAGAGAAG[G>GGT]GTAGCCAGTACCAGGCCAGAGAGAAACGTGCTATGTTCCATCTCCCAGCGGAACTCATCC-3'